The following is an entry in ClinVar:

NM_015338.6(ASXL1):c.2006G>A (p.Gly669Asp)

Gene: ASXL1 (ASXL transcriptional regulator 1; plus strand). Cytogenetic location: 20q11.21.
Variant type: single nucleotide variant.
Coding change: c.2006G>A on transcript NM_015338.6 (MANE Select); coding-DNA position 2006, G replaced by A.
Protein change: p.Gly669Asp; replaces glycine 669 with aspartic acid.
Molecular consequence: missense variant.
Genome position (GRCh38, 1-based): chr20:32,434,718, G>A. VCF-style: chr20-32434718-G-A. GRCh37 (hg19) VCF-style: chr20-31022521-G-A.
Other names: c.1823G>A, p.Gly608Asp (NM_001363734.1); short protein forms G608D, G669D.
Identifiers: ClinVar variation 4157856 (VCV004157856.2).
Genomic context (GRCh38, chr20:32,434,718, plus strand): 5'-GAGGTGGCGGCGGGGCCACCGATGAGGGAGGTGGCAGAGGCAGCAGCAGTGGTGATGGTG[G>A]TGAGGCCTGTGGCCACCCTGAGCCCAGGGGAGGCCCGAGCACCCCTGGAAAGTGTACGTC-3'
Protein context (NP_056153.2, residues 659-679): GGRGSSSGDG[Gly669Asp]EACGHPEPRG

ClinVar aggregate classification (germline): Uncertain significance. Review status: criteria provided, multiple submitters, no conflicts (2 of 4 stars). 2 submissions from 2 submitters: Uncertain significance (2). Last evaluated 2025-09-29.

Conditions:
Inborn genetic diseases. Identifiers: MedGen C0950123, MeSH D030342.

gnomAD v4.1: 2 of 1,610,864 alleles (0.00012%); highest among the groups gnomAD compares: South Asian, 0.0022%; no homozygotes.

Submissions (2):

Labcorp Genetics (formerly Invitae), Labcorp
Classification: Uncertain significance. Last evaluated: 2025-09-29. Review status: criteria provided, single submitter. Criteria: Invitae Variant Classification Sherloc (09022015). Collection method: clinical testing. Allele origin: germline.
Comment: This sequence change replaces glycine, which is neutral and non-polar, with aspartic acid, which is acidic and polar, at codon 669 of the ASXL1 protein (p.Gly669Asp). This variant is present in population databases (rs756863234, gnomAD 0.003%). This variant has not been reported in the literature in individuals affected with ASXL1-related conditions. An algorithm developed to predict the effect of missense changes on protein structure and function (PolyPhen-2) suggests that this variant is likely to be disruptive. In summary, the available evidence is currently insufficient to determine the role of this variant in disease. Therefore, it has been classified as a Variant of Uncertain Significance.

Ambry Genetics
Classification: Uncertain significance for Inborn genetic diseases. Last evaluated: 2025-06-22. Review status: criteria provided, single submitter. Criteria: Ambry Variant Classification Scheme 2023. Collection method: clinical testing. Allele origin: germline.
Comment: The p.G669D variant (also known as c.2006G>A), located in coding exon 13 of the ASXL1 gene, results from a G to A substitution at nucleotide position 2006. The glycine at codon 669 is replaced by aspartic acid, an amino acid with similar properties. This amino acid position is conserved. In addition, this alteration is predicted to be tolerated by in silico analysis. Based on the available evidence, the clinical significance of this variant remains unclear.